The following is an entry in ClinVar:

ClinVar aggregate classification (germline): Likely benign. Review status: criteria provided, single submitter (1 of 4 stars). 2 submissions from 2 submitters: Likely benign (1). 1 of the submissions does not count toward it. Last evaluated 2026-07-01.

Conditions:
TMEM107-related disorder. Also called: TMEM107-related condition.

Submissions (2):

CeGaT Center for Human Genetics Tuebingen
Classification: Likely benign. Last evaluated: 2026-07-01. Review status: criteria provided, single submitter. Criteria: CeGaT Center For Human Genetics Tuebingen Variant Classification Criteria Version 2. Collection method: clinical testing. Allele origin: germline. Affected: yes. Observed: 1 variant allele.
Comment: TMEM107: BP4, BP7

PreventionGenetics, part of Exact Sciences
Classification: Likely benign for TMEM107-related condition. Last evaluated: 2024-05-01. Review status: no assertion criteria provided. Collection method: clinical testing. Allele origin: germline. Not counted in ClinVar's aggregate classification.
Comment: This variant is classified as likely benign based on ACMG/AMP sequence variant interpretation guidelines (Richards et al. 2015 PMID: 25741868, with internal and published modifications).

NM_183065.4(TMEM107):c.294C>G (p.Ser98=)

Genes: TMEM107 (transmembrane protein 107; minus strand), LOC105371520 (uncharacterized LOC105371520; plus strand). Cytogenetic location: 17p13.1.
Variant type: single nucleotide variant.
Coding change: c.294C>G on transcript NM_183065.4 (MANE Select); coding-DNA position 294, C replaced by G.
Protein change: p.Ser98=; no amino-acid change (serine 98 retained).
Molecular consequence: synonymous variant. On other transcripts: intron variant (1).
Genome position (GRCh38, 1-based): chr17:8,174,579, G>C on the plus strand (C>G on the coding strand, the complement: TMEM107 is on the minus strand). VCF-style: chr17-8174579-G-C. GRCh37 (hg19) VCF-style: chr17-8077897-G-C.
Other names: c.312C>G, p.Ser104= (NM_001351278.2, NM_032354.5); c.294C>G, p.Ser98= (NM_001351279.2); c.156-307C>G (NM_001351280.2).
Identifiers: ClinVar variation 3348702 (VCV003348702.2).
Genomic context (GRCh38, chr17:8,174,579, plus strand): 5'-CCTGCAGAAGACAAAAATGTACCAATACGTAGTGCACTCCCAACGCTCGAATATGAAGAA[G>C]GACAGGGCCACGGATGCACTACAGTGAGCCCCAATGGCTTGGGAAGGCACGAGATTAAGG-3'
Protein context (NP_898888.1, residues 88-108): GAHCSASVAL[Ser98=]FFIFERWECT